The following is an entry in ClinVar:

NM_001142800.2(EYS):c.1356C>G (p.Tyr452Ter)

Gene: EYS (EGF-like photoreceptor maintenance factor; minus strand). Cytogenetic location: 6q12.
Variant type: single nucleotide variant.
Coding change: c.1356C>G on transcript NM_001142800.2 (MANE Select); coding-DNA position 1356, C replaced by G.
Protein change: p.Tyr452Ter; replaces tyrosine 452 with a stop codon.
Molecular consequence: nonsense.
Genome position (GRCh38, 1-based): chr6:65,353,561, G>C on the plus strand (C>G on the coding strand, the complement: EYS is on the minus strand). VCF-style: chr6-65353561-G-C. GRCh37 (hg19) VCF-style: chr6-66063454-G-C.
Other names: c.1356C>G, p.Tyr452Ter (NM_001142801.2, NM_001292009.2, NM_198283.2); short protein forms Y452*.
Identifiers: ClinVar variation 2119769 (VCV002119769.6), dbSNP rs1453136762, ClinGen allele CA364661829.

ClinVar aggregate classification (germline): Pathogenic (1 of 4 stars; one submission).

gnomAD v4.1: 9 of 1,612,888 alleles (0.00056%); highest among the groups gnomAD compares: Non-Finnish European, 0.00076%; no homozygotes.

Submission:

Labcorp Genetics (formerly Invitae), Labcorp
Classification: Pathogenic. Last evaluated: 2022-03-31. Review status: criteria provided, single submitter. Criteria: Invitae Variant Classification Sherloc (09022015). Collection method: clinical testing. Allele origin: germline.
Comment: This sequence change creates a premature translational stop signal (p.Tyr452*) in the EYS gene. It is expected to result in an absent or disrupted protein product. Loss-of-function variants in EYS are known to be pathogenic (PMID: 18836446, 20333770). This variant is present in population databases (no rsID available, gnomAD 0.0009%). This variant has not been reported in the literature in individuals affected with EYS-related conditions. For these reasons, this variant has been classified as Pathogenic.

Literature cited by the submitters: PubMed 18836446; PubMed 20333770.